The following is an entry in ClinVar:

NM_002087.4(GRN):c.903G>A (p.Ser301=)

Gene: GRN (granulin precursor; plus strand). Cytogenetic location: 17q21.31.
Variant type: single nucleotide variant.
Coding change: c.903G>A on transcript NM_002087.4 (MANE Select); coding-DNA position 903, G replaced by A.
Protein change: p.Ser301=; no amino-acid change (serine 301 retained).
Molecular consequence: synonymous variant.
Genome position (GRCh38, 1-based): chr17:44,351,430, G>A. VCF-style: chr17-44351430-G-A. GRCh37 (hg19) VCF-style: chr17-42428798-G-A.
Identifiers: ClinVar variation 98159 (VCV000098159.86), dbSNP rs63750142, ClinGen allele CA225289.

ClinVar aggregate classification (germline): Benign/Likely benign. Review status: criteria provided, multiple submitters, no conflicts (2 of 4 stars). 10 submissions from 10 submitters: Benign (1); Likely benign (5). 4 of the submissions do not count toward it. Last evaluated 2025-12-17.

Conditions:
Inborn genetic diseases. Identifiers: MedGen C0950123, MeSH D030342.
GRN-related frontotemporal lobar degeneration with Tdp43 inclusions (FTD2). Also called: GRN Frontotemporal Dementia; FRONTOTEMPORAL LOBAR DEGENERATION WITH UBIQUITIN-POSITIVE INCLUSIONS; FTLD-TDP, GRN-RELATED; FRONTOTEMPORAL DEMENTIA WITH TDP43 INCLUSIONS, GRN-RELATED; DEMENTIA, HEREDITARY DYSPHASIC DISINHIBITION. Identifiers: Orphanet 100070, Orphanet 282, MedGen C1843792, MONDO:0011842, OMIM 607485. Disease mechanism: loss of function.
Neuronal ceroid lipofuscinosis 11. Also called: GRN-Related Neuronal Ceroid-Lipofuscinosis. Identifiers: Orphanet 314629, Orphanet 79262, MedGen C3539123, MONDO:0013866, OMIM 614706.

Allele frequency attached by ClinVar (database versions not stated): gnomAD 0.00041 and 0.00044; ESP Exome Variant Server 0.00046; TOPMed 0.00049; gnomAD exomes 0.00057; ExAC 0.00065.
gnomAD v4.1: 1,309 of 1,613,512 alleles (0.081%); highest among the groups gnomAD compares: Non-Finnish European, 0.1%; no homozygotes.

Submissions (10):

Labcorp Genetics (formerly Invitae), Labcorp
Classification: Likely benign for Neuronal ceroid lipofuscinosis 11; GRN-related frontotemporal lobar degeneration with Tdp43 inclusions. Last evaluated: 2025-12-17. Review status: criteria provided, single submitter. Criteria: Invitae Variant Classification Sherloc (09022015). Collection method: clinical testing. Allele origin: germline.

CeGaT Center for Human Genetics Tuebingen
Classification: Likely benign. Last evaluated: 2025-01-01. Review status: criteria provided, single submitter. Criteria: CeGaT Center For Human Genetics Tuebingen Variant Classification Criteria Version 2. Collection method: clinical testing. Allele origin: germline. Affected: yes. Observed: 6 variant alleles.
Comment: GRN: BP4, BP7

Blueprint Genetics
Classification: Likely benign. Last evaluated: 2024-11-07. Review status: criteria provided, single submitter. Criteria: ACMG Guidelines, 2015. Collection method: clinical testing. Allele origin: germline.

Athena Diagnostics
Classification: Benign. Last evaluated: 2024-09-19. Review status: criteria provided, single submitter. Criteria: Athena Diagnostics Criteria. Collection method: clinical testing. Allele origin: unknown.

Ambry Genetics
Classification: Likely benign for Inborn genetic diseases. Last evaluated: 2017-05-25. Review status: criteria provided, single submitter. Criteria: Ambry Variant Classification Scheme 2023. Collection method: clinical testing. Allele origin: germline.

Illumina Laboratory Services, Illumina
Classification: Likely benign for GRN-related frontotemporal lobar degeneration with Tdp43 inclusions. Last evaluated: 2017-04-27. Review status: criteria provided, single submitter. Criteria: ICSL Variant Classification Criteria 13 December 2019. Collection method: clinical testing. Allele origin: germline.
Comment: This variant was observed as part of a predisposition screen in an ostensibly healthy population. A literature search was performed for the gene, cDNA change, and amino acid change (where applicable). Publications were found based on this search. The evidence from the literature, in combination with allele frequency data from public databases where available, was sufficient to determine this variant is unlikely to cause disease. Therefore, this variant is classified as likely benign.

Clinical Genetics DNA and cytogenetics Diagnostics Lab, Erasmus MC, Erasmus Medical Center
Classification: Likely benign. Review status: no assertion criteria provided. Collection method: clinical testing. Allele origin: germline. Affected: yes. Study: VKGL Data-share Consensus. Not counted in ClinVar's aggregate classification.

Genome Diagnostics Laboratory, Amsterdam University Medical Center
Classification: Likely benign. Review status: no assertion criteria provided. Collection method: clinical testing. Allele origin: germline. Affected: yes. Study: VKGL Data-share Consensus. Not counted in ClinVar's aggregate classification.

Genome Diagnostics Laboratory, University Medical Center Utrecht
Classification: Likely benign. Review status: no assertion criteria provided. Collection method: clinical testing. Allele origin: germline. Affected: yes. Study: VKGL Data-share Consensus. Not counted in ClinVar's aggregate classification.

VIB  Department of Molecular Genetics, University of Antwerp
No classification provided. Review status: no classification provided. Collection method: not provided. Allele origin: unknown. Not counted in ClinVar's aggregate classification.

Literature cited by the submitters: PubMed 16950801 (cited by Athena Diagnostics and Illumina Laboratory Services, Illumina); PubMed 17345602 (cited by Athena Diagnostics and Illumina Laboratory Services, Illumina); PubMed 18184915 (cited by Athena Diagnostics); PubMed 20142524 (cited by Athena Diagnostics and Illumina Laboratory Services, Illumina); PubMed 18223198 (cited by Athena Diagnostics); PubMed 19649643 (cited by Athena Diagnostics and Illumina Laboratory Services, Illumina).